The following is an entry in ClinVar:

NC_000008.10:g.(?_30989976)_(30998629_?)del

Gene: WRN (WRN RecQ like helicase; plus strand). Cytogenetic location: 8p12.
Variant type: Deletion.
Identifiers: ClinVar variation 3245423 (VCV003245423.1).

ClinVar aggregate classification (germline): Likely pathogenic (1 of 4 stars; one submission).

Conditions:
Werner syndrome (WRN). Identifiers: Orphanet 902, MedGen C0043119, MONDO:0010196, OMIM 277700.

Submission:

Labcorp Genetics (formerly Invitae), Labcorp
Classification: Likely pathogenic for Werner syndrome. Last evaluated: 2019-10-11. Review status: criteria provided, single submitter. Criteria: Invitae Variant Classification Sherloc (09022015). Collection method: clinical testing. Allele origin: unknown.
Comment: This variant results in the deletion of part of exon 24 (c.2921_2968-317del) of the WRN gene. It is expected to disrupt RNA splicing and likely results in an absent or disrupted protein product. In summary, the currently available evidence indicates that the variant is pathogenic, but additional data are needed to prove that conclusively. Therefore, this variant has been classified as Likely Pathogenic. Loss-of-function variants in WRN are known to be pathogenic (PMID: 16673358). This variant has not been reported in the literature in individuals with WRN-related conditions. This variant is not present in population databases (ExAC no frequency).

Literature cited by the submitters: PubMed 16673358.